The following is an entry in ClinVar:

ClinVar aggregate classification (germline): Uncertain significance (1 of 4 stars; one submission).

Allele frequency attached by ClinVar (database versions not stated): gnomAD exomes below 0.00001.
gnomAD v4.1: 1 of 1,551,550 alleles (0.000064%); highest among the groups gnomAD compares: Admixed American, 0.002%; no homozygotes.

Submission:

Labcorp Genetics (formerly Invitae), Labcorp
Classification: Uncertain significance. Last evaluated: 2024-11-05. Review status: criteria provided, single submitter. Criteria: Invitae Variant Classification Sherloc (09022015). Collection method: clinical testing. Allele origin: germline.
Comment: This sequence change replaces valine, which is neutral and non-polar, with isoleucine, which is neutral and non-polar, at codon 180 of the LRIT3 protein (p.Val180Ile). This variant is not present in population databases (gnomAD no frequency). This variant has not been reported in the literature in individuals affected with LRIT3-related conditions. ClinVar contains an entry for this variant (Variation ID: 1383555). An algorithm developed to predict the effect of missense changes on protein structure and function (PolyPhen-2) suggests that this variant is likely to be tolerated. In summary, the available evidence is currently insufficient to determine the role of this variant in disease. Therefore, it has been classified as a Variant of Uncertain Significance.

NM_198506.5(LRIT3):c.538G>A (p.Val180Ile)

Gene: LRIT3 (leucine rich repeat, Ig-like and transmembrane domains 3; plus strand). Cytogenetic location: 4q25.
Variant type: single nucleotide variant.
Coding change: c.538G>A on transcript NM_198506.5 (MANE Select); coding-DNA position 538, G replaced by A.
Protein change: p.Val180Ile; replaces valine 180 with isoleucine.
Molecular consequence: missense variant.
Genome position (GRCh38, 1-based): chr4:109,851,925, G>A. VCF-style: chr4-109851925-G-A. GRCh37 (hg19) VCF-style: chr4-110773081-G-A.
Other names: short protein forms V180I.
Identifiers: ClinVar variation 1383555 (VCV001383555.6), dbSNP rs2125897282, ClinGen allele CA357872410.